The following is an entry in ClinVar:

NM_000268.4(NF2):c.1074del (p.Arg359fs)

Gene: NF2 (NF2, moesin-ezrin-radixin like (MERLIN) tumor suppressor; plus strand). Cytogenetic location: 22q12.2.
Variant type: Deletion.
Coding change: c.1074del on transcript NM_000268.4 (MANE Select); coding-DNA position 1074, one base deleted (G; older notation c.1074delG).
Protein change: p.Arg359fs; shifts the reading frame from arginine 359.
Molecular consequence: frameshift variant. On other transcripts: non-coding transcript variant (1), intron variant (1).
Genome position (GRCh38, 1-based): chr22:29,671,900, G deleted; the last of 2 consecutive G bases (chr22:29,671,899-29,671,900); deleting either gives the same sequence. VCF-style (leftmost placement, unchanged base first): chr22-29671898-AG-A. GRCh37 (hg19) VCF-style: chr22-30067887-AG-A.
Other names: c.1074del, p.Arg359fs (NM_016418.5, NM_181825.3, NM_181832.3); c.948del, p.Arg317fs (NM_181828.3); c.951del, p.Arg318fs (NM_181829.3); c.825del, p.Arg276fs (NM_181830.3, NM_181831.3); c.448-22852del (NM_181833.3); short protein forms R317fs, R276fs, R318fs, R359fs.
Identifiers: ClinVar variation 1451331 (VCV001451331.6), dbSNP rs2147073084, ClinGen allele CA2573157864.

ClinVar aggregate classification (germline): Pathogenic (1 of 4 stars; one submission).

Conditions:
Neurofibromatosis, type 2 (SWNV). Also called: BILATERAL ACOUSTIC NEUROFIBROMATOSIS; SCHWANNOMATOSIS, VESTIBULAR; NF2-Related Schwannomatosis. Identifiers: Orphanet 637, MedGen C0027832, MONDO:0007039, OMIM 101000. Disease mechanism: loss of function.

Submission:

Labcorp Genetics (formerly Invitae), Labcorp
Classification: Pathogenic for Neurofibromatosis, type 2. Last evaluated: 2021-07-08. Review status: criteria provided, single submitter. Criteria: Invitae Variant Classification Sherloc (09022015). Collection method: clinical testing. Allele origin: germline.
Comment: For these reasons, this variant has been classified as Pathogenic. This variant has not been reported in the literature in individuals affected with NF2-related conditions. This variant is not present in population databases (ExAC no frequency). This sequence change creates a premature translational stop signal (p.Arg359Glyfs*5) in the NF2 gene. It is expected to result in an absent or disrupted protein product. Loss-of-function variants in NF2 are known to be pathogenic (PMID: 9643284, 16983642).

Literature cited by the submitters: PubMed 9643284; PubMed 16983642.